The following is an entry in ClinVar:

ClinVar aggregate classification (germline): Likely pathogenic (1 of 4 stars; one submission).

Conditions:
Greig cephalopolysyndactyly syndrome (GCPS). Also called: Greig syndrome; GLI3-Related Greig Cephalopolysyndactyly Syndrome; POLYSYNDACTYLY WITH PECULIAR SKULL SHAPE. Identifiers: Orphanet 380, MedGen C0265306, MONDO:0008287, OMIM 175700.

Submission:

Laboratory of Medical Genetics, National & Kapodistrian University of Athens
Classification: Likely pathogenic for Greig cephalopolysyndactyly syndrome. Last evaluated: 2021-10-01. Review status: criteria provided, single submitter. Criteria: ACMG Guidelines, 2015. Collection method: clinical testing. Allele origin: unknown. Affected: yes.
Comment: PVS1, PM2, BP4

NM_000168.6(GLI3):c.793del (p.Ala265fs)

Gene: GLI3 (GLI family zinc finger 3; minus strand). Cytogenetic location: 7p14.1.
Variant type: Deletion.
Coding change: c.793del on transcript NM_000168.6 (MANE Select); coding-DNA position 793, one base deleted (G; older notation c.793delG).
Protein change: p.Ala265fs; shifts the reading frame from alanine 265.
Molecular consequence: frameshift variant.
Genome position (GRCh38, 1-based): chr7:42,045,417, C deleted on the plus strand (G on the coding strand, the reverse complement: GLI3 is on the minus strand); the first of 5 consecutive C bases (chr7:42,045,417-42,045,421); deleting any one gives the same sequence. VCF-style (leftmost placement, unchanged base first): chr7-42045416-GC-G. GRCh37 (hg19) VCF-style: chr7-42085015-GC-G.
Other names: c.793delG (NM_000168.6); short protein forms A265fs.
Identifiers: ClinVar variation 1299634 (VCV001299634.1), dbSNP rs2128741200, ClinGen allele CA2499218880.
Genomic context (GRCh38, chr7:42,045,416, plus strand): 5'-GACTCTAGAAACCAGCCCCGTCACTTACTATCCATAGCATGAAGATATTCCATGTGGATG[GC>G]CCCCGTGCCGGCGGTGGCAGCTGAGGGAATAATGTCTGCATAGGGGCTGCGCTGGCCAGT-3'